The following is an entry in ClinVar:

NM_001200.4(BMP2):c.633del (p.Ala212fs)

Gene: BMP2 (bone morphogenetic protein 2; plus strand). Cytogenetic location: 20p12.3.
Variant type: Deletion.
Coding change: c.633del on transcript NM_001200.4 (MANE Select); coding-DNA position 633, one base deleted (C; older notation c.633delC).
Protein change: p.Ala212fs; shifts the reading frame from alanine 212.
Molecular consequence: frameshift variant.
Genome position (GRCh38, 1-based): chr20:6,778,531, C deleted; the last of 5 consecutive C bases (chr20:6,778,527-6,778,531); deleting any one gives the same sequence. VCF-style (leftmost placement, unchanged base first): chr20-6778526-AC-A. GRCh37 (hg19) VCF-style: chr20-6759173-AC-A.
Other names: short protein forms A212fs.
Identifiers: ClinVar variation 4854218 (VCV004854218.1).

ClinVar aggregate classification (germline): Likely pathogenic (1 of 4 stars; one submission).

Conditions:
Short stature, facial dysmorphism, and skeletal anomalies with or without cardiac anomalies 1. Identifiers: MedGen C5542952, MONDO:0100297, OMIM 617877.

Submission:

3billion
Classification: Likely pathogenic for Short stature, facial dysmorphism, and skeletal anomalies with or without cardiac anomalies 1. Last evaluated: 2025-06-13. Review status: criteria provided, single submitter. Criteria: ACMG Guidelines, 2015. Collection method: clinical testing. Allele origin: germline. Affected: yes.
Comment: The variant is not observed in the gnomAD v4.1.0 dataset. Predicted Consequence/Location: Frameshift: predicted to result in a loss or disruption of normal protein function through protein truncation. The predicted truncated protein may be shortened by more than 10%. Therefore, this variant is classified as Likely pathogenic according to the recommendation of ACMG/AMP guideline.